The following is an entry in ClinVar:

NM_014946.4(SPAST):c.659G>A (p.Cys220Tyr)

Gene: SPAST (spastin; plus strand). Cytogenetic location: 2p22.3.
Variant type: single nucleotide variant.
Coding change: c.659G>A on transcript NM_014946.4 (MANE Select); coding-DNA position 659, G replaced by A.
Protein change: p.Cys220Tyr; replaces cysteine 220 with tyrosine.
Molecular consequence: missense variant. On other transcripts: intron variant (3).
Genome position (GRCh38, 1-based): chr2:32,098,868, G>A. VCF-style: chr2-32098868-G-A. GRCh37 (hg19) VCF-style: chr2-32323937-G-A.
Other names: c.656G>A, p.Cys219Tyr (NM_001363823.2); c.586+9263G>A (NM_199436.2, NM_001377959.1); c.583+9263G>A (NM_001363875.2); short protein forms C219Y, C220Y.
Identifiers: ClinVar variation 2905367 (VCV002905367.3), dbSNP rs2465793236, ClinGen allele CA346603991.
Genomic context (GRCh38, chr2:32,098,868, plus strand): 5'-CAGTTTTGCCATTTTCCAAGTCACAAACGGACGTCTATAATGACAGTACTAACTTGGCAT[G>A]CCGCAATGGACATCTCCAGTCAGGTGGGTTTAGGTTAACTAACATAAAATAATAAAGCTT-3'
Protein context (NP_055761.2, residues 210-230): DVYNDSTNLA[Cys220Tyr]RNGHLQSESG

ClinVar aggregate classification (germline): Uncertain significance (1 of 4 stars; one submission).

Conditions:
Hereditary spastic paraplegia 4. Also called: Spastic paraplegia 4, autosomal dominant; Familial spastic paraplegia autosomal dominant 2; Spastic Paraplegia 4. Identifiers: Orphanet 100985, MedGen C1866855, MONDO:0008438, OMIM 182601.

gnomAD v4.1: 4 of 1,613,432 alleles (0.00025%); highest among the groups gnomAD compares: South Asian, 0.0011%; no homozygotes.

Submission:

Labcorp Genetics (formerly Invitae), Labcorp
Classification: Uncertain significance for Hereditary spastic paraplegia 4. Last evaluated: 2023-12-09. Review status: criteria provided, single submitter. Criteria: Invitae Variant Classification Sherloc (09022015). Collection method: clinical testing. Allele origin: germline.
Comment: This sequence change replaces cysteine, which is neutral and slightly polar, with tyrosine, which is neutral and polar, at codon 220 of the SPAST protein (p.Cys220Tyr). This variant is not present in population databases (gnomAD no frequency). This variant has not been reported in the literature in individuals affected with SPAST-related conditions. Advanced modeling of protein sequence and biophysical properties (such as structural, functional, and spatial information, amino acid conservation, physicochemical variation, residue mobility, and thermodynamic stability) has been performed at Invitae for this missense variant, however the output from this modeling did not meet the statistical confidence thresholds required to predict the impact of this variant on SPAST protein function. In summary, the available evidence is currently insufficient to determine the role of this variant in disease. Therefore, it has been classified as a Variant of Uncertain Significance.